The following is an entry in ClinVar:

ClinVar aggregate classification (germline): Pathogenic. Review status: criteria provided, multiple submitters, no conflicts (2 of 4 stars). 4 submissions from 4 submitters: Pathogenic (4). Last evaluated 2025-08-01.

Conditions:
Epidermolysis bullosa dystrophica. Also called: Dystrophic epidermolysis bullosa, Hallopeau-Siemens type (formerly); Dystrophic epidermolysis bullosa. Identifiers: Orphanet 303, MedGen C0079294, MONDO:0006543.
Recessive dystrophic epidermolysis bullosa (RDEB). Also called: severe generalized recessive dystrophic epidermolysis bullosa; EPIDERMOLYSIS BULLOSA DYSTROPHICA, GENERALIZED SEVERE, AUTOSOMAL RECESSIVE; DYSTROPHIC EPIDERMOLYSIS BULLOSA, AUTOSOMAL RECESSIVE; EPIDERMOLYSIS BULLOSA DYSTROPHICA, HALLOPEAU-SIEMENS TYPE; Epidermolysis Bullosa Distrophica Autosomal Recessive (RDEB); epidermolysis bullosa dystrophica, autosomal recessive. Identifiers: Orphanet 79408, Orphanet 79409, MedGen C0079474, MONDO:0009179, OMIM 226600.

Allele frequency attached by ClinVar (database versions not stated): gnomAD 0.00001; gnomAD exomes below 0.00001; TOPMed 0.00001.
gnomAD v4.1: 3 of 1,612,496 alleles (0.00019%); highest among the groups gnomAD compares: Non-Finnish European, 0.00025%; no homozygotes.

Submissions (4):

Natera, Inc.
Classification: Pathogenic for Dystrophic epidermolysis bullosa. Last evaluated: 2025-08-01. Review status: criteria provided, single submitter. Criteria: Natera Variant Classification Schema (03/2026). Collection method: clinical testing. Allele origin: germline.
Comment: The c.7051G>A variant in COL7A1 is a missense variant predicted to cause substitution of glycine to arginine at amino acid 2351. This variant is rare in the general population with a frequency below the threshold expected for the associated phenotype(s). Computational prediction algorithms indicate this variant is likely to affect gene or protein function. Given the available evidence, this variant is classified as Pathogenic.

Labcorp Genetics (formerly Invitae), Labcorp
Classification: Pathogenic. Last evaluated: 2023-11-10. Review status: criteria provided, single submitter. Criteria: Invitae Variant Classification Sherloc (09022015). Collection method: clinical testing. Allele origin: germline.
Comment: This sequence change replaces glycine, which is neutral and non-polar, with arginine, which is basic and polar, at codon 2351 of the COL7A1 protein (p.Gly2351Arg). This variant is not present in population databases (gnomAD no frequency). This missense change has been observed in individual(s) with autosomal recessive dystrophic epidermolysis bullosa (PMID: 8644730, 12485454, 21448560). In at least one individual the data is consistent with being in trans (on the opposite chromosome) from a pathogenic variant. This variant has been reported in individual(s) with clinical features of autosomal dominant dystrophic epidermolysis bullosa (PMID: 8644730); however, the role of the variant in this condition is currently unclear. ClinVar contains an entry for this variant (Variation ID: 1048020). Advanced modeling of protein sequence and biophysical properties (such as structural, functional, and spatial information, amino acid conservation, physicochemical variation, residue mobility, and thermodynamic stability) performed at Invitae indicates that this missense variant is expected to disrupt COL7A1 protein function with a positive predictive value of 95%. This variant disrupts the triple helix domain of COL7A1. Glycine residues within the Gly-Xaa-Yaa repeats of the triple helix domain are required for the structure and stability of fibrillar collagens (PMID: 7695699, 8218237, 19344236), and variants at these glycine residues in COL7A1 are more frequently observed in individuals with disease than in the general population (PMID: 22058051). However, the clinical significance of this observation remains uncertain since only a limited number of affected individuals have been described to date. For these reasons, this variant has been classified as Pathogenic.

Center for Research in Genodermatoses and Epidermolysis Bullosa, University of Buenos Aires
Classification: Pathogenic for Recessive dystrophic epidermolysis bullosa. Last evaluated: 2022-03-14. Review status: criteria provided, single submitter. Criteria: ACMG Guidelines, 2015. Collection method: clinical testing. Allele origin: germline. Affected: yes. Observed: 10 variant alleles, 9 compound heterozygotes, 1 homozygote.

Biomedical Innovation Departament, CIEMAT
Classification: Pathogenic for Dystrophic epidermolysis bullosa. Last evaluated: 2017-10-09. Review status: criteria provided, single submitter. Criteria: ACMG Guidelines, 2015. Collection method: research. Allele origin: germline. Affected: yes. Observed: 1 variant allele.

Literature cited by the submitters: PubMed 8644730 (cited by Labcorp Genetics (formerly Invitae), Labcorp and Center for Research in Genodermatoses and Epidermolysis Bullosa, University of Buenos Aires); PubMed 12485454 (cited by Labcorp Genetics (formerly Invitae), Labcorp); PubMed 21448560 (cited by Labcorp Genetics (formerly Invitae), Labcorp); PubMed 7695699 (cited by Labcorp Genetics (formerly Invitae), Labcorp); PubMed 8218237 (cited by Labcorp Genetics (formerly Invitae), Labcorp); PubMed 19344236 (cited by Labcorp Genetics (formerly Invitae), Labcorp); PubMed 22058051 (cited by Labcorp Genetics (formerly Invitae), Labcorp); PubMed 35979658 (cited by Center for Research in Genodermatoses and Epidermolysis Bullosa, University of Buenos Aires).

NM_000094.4(COL7A1):c.7051G>A (p.Gly2351Arg)

Gene: COL7A1 (collagen type VII alpha 1 chain; minus strand). Cytogenetic location: 3p21.31.
Variant type: single nucleotide variant.
Coding change: c.7051G>A on transcript NM_000094.4 (MANE Select); coding-DNA position 7051, G replaced by A.
Protein change: p.Gly2351Arg; replaces glycine 2351 with arginine.
Molecular consequence: missense variant.
Genome position (GRCh38, 1-based): chr3:48,572,018, C>T on the plus strand (G>A on the coding strand, the complement: COL7A1 is on the minus strand). VCF-style: chr3-48572018-C-T. GRCh37 (hg19) VCF-style: chr3-48609451-C-T.
Other names: c.7051G>A (NM_000094.3); short protein forms G2351R.
Identifiers: ClinVar variation 1048020 (VCV001048020.27), dbSNP rs1800013, ClinGen allele CA500032.